The following is an entry in ClinVar:

NM_001374828.1(ARID1B):c.4647del (p.Tyr1550fs)

Gene: ARID1B (AT-rich interaction domain 1B; plus strand). Cytogenetic location: 6q25.3.
Variant type: Deletion.
Coding change: c.4647del on transcript NM_001374828.1 (MANE Select); coding-DNA position 4647, one base deleted (C; older notation c.4647delC).
Protein change: p.Tyr1550fs; shifts the reading frame from tyrosine 1550.
Molecular consequence: frameshift variant.
Genome position (GRCh38, 1-based): chr6:157,200,872, C deleted; the last of 3 consecutive C bases (chr6:157,200,870-157,200,872); deleting any one gives the same sequence. VCF-style (leftmost placement, unchanged base first): chr6-157200869-TC-T. GRCh37 (hg19) VCF-style: chr6-157522003-TC-T.
Other names: c.4398delC, p.Tyr1467Thrfs (NM_001346813.1); c.2148del, p.Tyr717fs (NM_001363725.2); c.4527del, p.Tyr1510fs (NM_001371656.1, NM_001374820.1); c.4488del, p.Tyr1497fs (NM_017519.3); c.4278delC, p.Tyr1427Thrfs (NM_020732.3); c.4065delC, p.Tyr1356Thrfs (NM_175863.2); short protein forms Y1497fs, Y1510fs, Y1550fs, Y717fs.
Identifiers: ClinVar variation 1705320 (VCV001705320.1), dbSNP rs2538674041, ClinGen allele CA2580075311.

ClinVar aggregate classification (germline): Likely pathogenic (1 of 4 stars; one submission).

Conditions:
Coffin-Siris syndrome 1 (CSS1). Also called: ARID1B-Related Coffin-Siris Syndrome; Mental retardation, autosomal dominant 12. Identifiers: Orphanet 1465, MedGen C3281201, MONDO:0007617, OMIM 135900. Disease mechanism: gain of function.

Submission:

3billion
Classification: Likely pathogenic for Coffin-Siris syndrome 1. Last evaluated: 2022-09-01. Review status: criteria provided, single submitter. Criteria: ACMG Guidelines, 2015. Collection method: clinical testing. Allele origin: germline. Affected: yes. Observed: 1 heterozygote.
Comment: The variant is not observed in the gnomAD v2.1.1 dataset. Frameshift variant is predicted to result in a loss or disruption of normal protein function through nonsense-mediated decay (NMD) or protein truncation. Multiple pathogenic variants are reported downstream of the variant. Therefore, this variant is classified as Likely pathogenic according to the recommendation of ACMG/AMP guideline.